The following is an entry in ClinVar:

ClinVar aggregate classification (germline): Likely benign (1 of 4 stars; one submission).

gnomAD v4.1: 6 of 1,614,090 alleles (0.00037%); highest among the groups gnomAD compares: Middle Eastern, 0.049%; no homozygotes.

Submission:

CeGaT Center for Human Genetics Tuebingen
Classification: Likely benign. Last evaluated: 2025-05-01. Review status: criteria provided, single submitter. Criteria: CeGaT Center For Human Genetics Tuebingen Variant Classification Criteria Version 2. Collection method: clinical testing. Allele origin: germline. Affected: yes. Observed: 1 variant allele.
Comment: BAZ2B: BP4, BP7

NM_013450.4(BAZ2B):c.4122A>G (p.Ser1374=)

Gene: BAZ2B (bromodomain adjacent to zinc finger domain 2B; minus strand). Cytogenetic location: 2q24.2.
Variant type: single nucleotide variant.
Coding change: c.4122A>G on transcript NM_013450.4 (MANE Select); coding-DNA position 4122, A replaced by G.
Protein change: p.Ser1374=; no amino-acid change (serine 1374 retained).
Molecular consequence: synonymous variant.
Genome position (GRCh38, 1-based): chr2:159,373,136, T>C on the plus strand (A>G on the coding strand, the complement: BAZ2B is on the minus strand). VCF-style: chr2-159373136-T-C. GRCh37 (hg19) VCF-style: chr2-160229647-T-C.
Other names: c.4014A>G, p.Ser1338= (NM_001289975.1); c.3960A>G, p.Ser1320= (NM_001329857.2); c.4047A>G, p.Ser1349= (NM_001329858.2).
Identifiers: ClinVar variation 3905292 (VCV003905292.10).